The following is an entry in ClinVar:

NM_006516.4(SLC2A1):c.-2C>T

Gene: SLC2A1 (solute carrier family 2 member 1; minus strand). Cytogenetic location: 1p34.2.
Variant type: single nucleotide variant.
Coding change: c.-2C>T on transcript NM_006516.4 (MANE Select); 2 bases upstream of the start codon, C replaced by T.
Molecular consequence: 5 prime UTR variant.
Genome position (GRCh38, 1-based): chr1:42,958,653, G>A on the plus strand (C>T on the coding strand, the complement: SLC2A1 is on the minus strand). VCF-style: chr1-42958653-G-A. GRCh37 (hg19) VCF-style: chr1-43424324-G-A.
Identifiers: ClinVar variation 159919 (VCV000159919.16), dbSNP rs587784388, ClinGen allele CA019152.
Genomic context (GRCh38, chr1:42,958,653, plus strand): 5'-CCTTTGTTCCTGGCGGGAGGGCCCGCGGGCGCGCGACTCACCTTGCTGCTGGGCTCCATG[G>A]CAGCGCTGCGCTGGTGGCTCTGGCTGCGCCGGGTACGCGGGTGGCGACGGGCGTGCGAGC-3'

ClinVar aggregate classification (germline): Conflicting classifications of pathogenicity. Review status: criteria provided, conflicting classifications (1 of 4 stars). 4 submissions from 4 submitters: Uncertain significance (2); Benign (1); Likely benign (1). Last evaluated 2025-05-16.

Conditions:
Inborn genetic diseases. Identifiers: MedGen C0950123, MeSH D030342.

Allele frequency attached by ClinVar (database versions not stated): ExAC below 0.00001; gnomAD 0.00001; gnomAD exomes 0.00001 and 0.00008; TOPMed 0.00009.

Submissions (4):

GeneDx
Classification: Benign. Last evaluated: 2025-05-16. Review status: criteria provided, single submitter. Criteria: GeneDx Variant Classification Process June 2021. Collection method: clinical testing. Allele origin: germline. Affected: yes.
Comment: See Variant Classification Assertion Criteria.

Revvity Omics, Revvity
Classification: Uncertain significance. Last evaluated: 2024-06-03. Review status: criteria provided, single submitter. Criteria: ACMG Guidelines, 2015. Collection method: clinical testing. Allele origin: germline.

Ambry Genetics
Classification: Uncertain significance for Inborn genetic diseases. Last evaluated: 2017-03-10. Review status: criteria provided, single submitter. Criteria: Ambry Variant Classification Scheme 2023. Collection method: clinical testing. Allele origin: germline.
Comment: The c.-2C>T variant is located in the 5' untranslated region (5&rsquo; UTR) of the SLC2A1 gene. This variant results from a C to T substitution 2 bases upstream from the first translated codon. This nucleotide position is highly conserved in available vertebrate species. Since supporting evidence is limited at this time, the clinical significance of this variant remains unclear.

Genetic Services Laboratory, University of Chicago
Classification: Likely benign. Last evaluated: 2013-08-01. Review status: criteria provided, single submitter. Criteria: ACMG Guidelines, 2007. Collection method: clinical testing. Allele origin: germline. Inheritance: Autosomal dominant inheritance.